The following is an entry in ClinVar:

ClinVar aggregate classification (germline): Benign/Likely benign. Review status: criteria provided, multiple submitters, no conflicts (2 of 4 stars). 4 submissions from 4 submitters: Benign (2); Likely benign (2). Last evaluated 2025-12-22.

Allele frequency attached by ClinVar (database versions not stated): ESP Exome Variant Server 0.00231; gnomAD 0.00265 and 0.00282; TOPMed 0.00268; 1000 Genomes Project 30x 0.00312; 1000 Genomes Project 0.00339.

Submissions (4):

Labcorp Genetics (formerly Invitae), Labcorp
Classification: Benign. Last evaluated: 2025-12-22. Review status: criteria provided, single submitter. Criteria: Invitae Variant Classification Sherloc (09022015). Collection method: clinical testing. Allele origin: germline.

Mayo Clinic Laboratories, Mayo Clinic
Classification: Likely benign. Last evaluated: 2025-08-13. Review status: criteria provided, single submitter. Criteria: ACMG Guidelines, 2015. Collection method: clinical testing. Allele origin: germline. Observed: 3 variant alleles.
Comment: BA1

CeGaT Center for Human Genetics Tuebingen
Classification: Likely benign. Last evaluated: 2024-05-01. Review status: criteria provided, single submitter. Criteria: CeGaT Center For Human Genetics Tuebingen Variant Classification Criteria Version 2. Collection method: clinical testing. Allele origin: germline. Affected: yes. Observed: 1 variant allele.
Comment: HSD3B7: BS1

Eurofins Ntd Llc (ga)
Classification: Benign. Last evaluated: 2014-11-24. Review status: criteria provided, single submitter. Criteria: EGL Classification Definitions 2015. Collection method: clinical testing. Allele origin: germline. Observed: 1 variant allele, 1 heterozygote.

NM_025193.4(HSD3B7):c.103C>G (p.Arg35Gly)

Gene: HSD3B7 (hydroxy-delta-5-steroid dehydrogenase, 3 beta- and steroid delta-isomerase 7; plus strand). Cytogenetic location: 16p11.2.
Variant type: single nucleotide variant.
Coding change: c.103C>G on transcript NM_025193.4 (MANE Select); coding-DNA position 103, C replaced by G.
Protein change: p.Arg35Gly; replaces arginine 35 with glycine.
Molecular consequence: missense variant.
Genome position (GRCh38, 1-based): chr16:30,985,761, C>G. VCF-style: chr16-30985761-C-G. GRCh37 (hg19) VCF-style: chr16-30997082-C-G.
Other names: p.Arg35Gly; c.103C>G, p.Arg35Gly (NM_001142777.2, NM_001142778.2); short protein forms R35G.
Identifiers: ClinVar variation 195382 (VCV000195382.34), dbSNP rs150464212, ClinGen allele CA201703.